The following is an entry in ClinVar:

ClinVar aggregate classification (germline): Benign/Likely benign. Review status: criteria provided, multiple submitters, no conflicts (2 of 4 stars). 5 submissions from 5 submitters: Benign (1); Likely benign (4). Last evaluated 2025-10-24.

Conditions:
SERPINB6-related disorder. Also called: SERPINB6-related condition.

Allele frequency attached by ClinVar (database versions not stated): gnomAD exomes 0.00016 and 0.00042; ExAC 0.00044; ESP Exome Variant Server 0.00062; gnomAD 0.00108 and 0.00114; TOPMed 0.00156; 1000 Genomes Project 0.00180; 1000 Genomes Project 30x 0.00187.
gnomAD v4.1: 411 of 1,614,200 alleles (0.025%); highest among the groups gnomAD compares: African/African-American, 0.25%; 5 homozygotes.

Submissions (5):

Labcorp Genetics (formerly Invitae), Labcorp
Classification: Benign. Last evaluated: 2025-10-24. Review status: criteria provided, single submitter. Criteria: Invitae Variant Classification Sherloc (09022015). Collection method: clinical testing. Allele origin: germline.

PreventionGenetics, part of Exact Sciences
Classification: Likely benign for SERPINB6-related condition. Last evaluated: 2024-10-26. Review status: criteria provided, single submitter. Criteria: ACMG Guidelines, 2015. Collection method: clinical testing. Allele origin: germline.
Comment: This variant is classified as likely benign based on ACMG/AMP sequence variant interpretation guidelines (Richards et al. 2015 PMID: 25741868, with internal and published modifications).

Blueprint Genetics
Classification: Likely benign. Last evaluated: 2024-08-28. Review status: criteria provided, single submitter. Criteria: ACMG Guidelines, 2015. Collection method: clinical testing. Allele origin: germline.

GeneDx
Classification: Likely benign. Last evaluated: 2020-03-26. Review status: criteria provided, single submitter. Criteria: GeneDx Variant Classification Process June 2021. Collection method: clinical testing. Allele origin: germline. Affected: yes.

Laboratory for Molecular Medicine, Mass General Brigham Personalized Medicine
Classification: Likely benign. Last evaluated: 2015-05-28. Review status: criteria provided, single submitter. Criteria: LMM Criteria. Collection method: clinical testing. Allele origin: germline. Observed: 4 variant alleles.
Comment: p.Asp236Asp in exon 7 of SERPINB6: This variant is not expected to have clinical significance because it does not alter an amino acid residue, is not located wi thin the splice consensus sequence, and has been identified in 0.2% (26/10406) o f African chromosomes by the Exome Aggregation Consortium (ExAC; dbSNP rs144895010).

NM_004568.6(SERPINB6):c.708C>T (p.Asp236=)

Gene: SERPINB6 (serpin family B member 6; minus strand). Cytogenetic location: 6p25.2.
Variant type: single nucleotide variant.
Coding change: c.708C>T on transcript NM_004568.6 (MANE Select); coding-DNA position 708, C replaced by T.
Protein change: p.Asp236=; no amino-acid change (aspartic acid 236 retained).
Molecular consequence: synonymous variant. On other transcripts: non-coding transcript variant (1).
Genome position (GRCh38, 1-based): chr6:2,948,935, G>A on the plus strand (C>T on the coding strand, the complement: SERPINB6 is on the minus strand). VCF-style: chr6-2948935-G-A. GRCh37 (hg19) VCF-style: chr6-2949169-G-A.
Other names: c.720C>T, p.Asp240= (NM_001195291.3, NM_001374515.1); c.750C>T, p.Asp250= (NM_001271822.2); c.765C>T, p.Asp255= (NM_001271823.2); c.708C>T, p.Asp236= (NM_001271824.2, NM_001271825.2, NM_001297699.2 and 2 more transcripts); c.576C>T, p.Asp192= (NM_001374517.1).
Identifiers: ClinVar variation 227937 (VCV000227937.18), dbSNP rs144895010, ClinGen allele CA3617453.